The following is an entry in ClinVar:

NM_030958.3(SLCO5A1):c.1625C>T (p.Pro542Leu)

Gene: SLCO5A1 (solute carrier organic anion transporter family member 5A1; minus strand). Cytogenetic location: 8q13.3.
Variant type: single nucleotide variant.
Coding change: c.1625C>T on transcript NM_030958.3 (MANE Select); coding-DNA position 1625, C replaced by T.
Protein change: p.Pro542Leu; replaces proline 542 with leucine.
Molecular consequence: missense variant.
Genome position (GRCh38, 1-based): chr8:69,682,341, G>A on the plus strand (C>T on the coding strand, the complement: SLCO5A1 is on the minus strand). VCF-style: chr8-69682341-G-A. GRCh37 (hg19) VCF-style: chr8-70594576-G-A.
Other names: c.1625C>T, p.Pro542Leu (NM_001146008.2); c.1460C>T, p.Pro487Leu (NM_001146009.1); short protein forms P542L, P487L.
Identifiers: ClinVar variation 2698788 (VCV002698788.3), dbSNP rs759310009, ClinGen allele CA4776521.

ClinVar aggregate classification (germline): Uncertain significance (1 of 4 stars; one submission).

Allele frequency attached by ClinVar (database versions not stated): ExAC 0.00001; gnomAD 0.00001; gnomAD exomes 0.00002; TOPMed 0.00002.
gnomAD v4.1: 34 of 1,570,218 alleles (0.0022%); highest among the groups gnomAD compares: Non-Finnish European, 0.0028%; no homozygotes.

Submission:

Labcorp Genetics (formerly Invitae), Labcorp
Classification: Uncertain significance. Last evaluated: 2023-12-09. Review status: criteria provided, single submitter. Criteria: Invitae Variant Classification Sherloc (09022015). Collection method: clinical testing. Allele origin: germline.
Comment: This sequence change replaces proline, which is neutral and non-polar, with leucine, which is neutral and non-polar, at codon 542 of the SLCO5A1 protein (p.Pro542Leu). This variant is present in population databases (rs759310009, gnomAD 0.001%). This variant has not been reported in the literature in individuals affected with SLCO5A1-related conditions. An algorithm developed to predict the effect of missense changes on protein structure and function (PolyPhen-2) suggests that this variant is likely to be tolerated. In summary, the available evidence is currently insufficient to determine the role of this variant in disease. Therefore, it has been classified as a Variant of Uncertain Significance.